The following is an entry in ClinVar:

NM_005883.3(APC2):c.1385T>C (p.Leu462Pro)

Gene: APC2 (APC regulator of Wnt signaling pathway 2; plus strand). Cytogenetic location: 19p13.3.
Variant type: single nucleotide variant.
Coding change: c.1385T>C on transcript NM_005883.3 (MANE Select); coding-DNA position 1385, T replaced by C.
Protein change: p.Leu462Pro; replaces leucine 462 with proline.
Molecular consequence: missense variant.
Genome position (GRCh38, 1-based): chr19:1,460,262, T>C. VCF-style: chr19-1460262-T-C. GRCh37 (hg19) VCF-style: chr19-1460261-T-C.
Other names: c.1382T>C, p.Leu461Pro (NM_001351273.1); short protein forms L461P, L462P.
Identifiers: ClinVar variation 2186090 (VCV002186090.4), dbSNP rs2083901787, ClinGen allele CA403018853.

ClinVar aggregate classification (germline): Uncertain significance (1 of 4 stars; one submission).

Allele frequency attached by ClinVar (database versions not stated): TOPMed 0.00001.

Submission:

Labcorp Genetics (formerly Invitae), Labcorp
Classification: Uncertain significance. Last evaluated: 2023-10-13. Review status: criteria provided, single submitter. Criteria: Invitae Variant Classification Sherloc (09022015). Collection method: clinical testing. Allele origin: germline.
Comment: This sequence change replaces leucine, which is neutral and non-polar, with proline, which is neutral and non-polar, at codon 462 of the APC2 protein (p.Leu462Pro). This variant is not present in population databases (gnomAD no frequency). This variant has not been reported in the literature in individuals affected with APC2-related conditions. ClinVar contains an entry for this variant (Variation ID: 2186090). Advanced modeling of protein sequence and biophysical properties (such as structural, functional, and spatial information, amino acid conservation, physicochemical variation, residue mobility, and thermodynamic stability) performed at Invitae indicates that this missense variant is expected to disrupt APC2 protein function. In summary, the available evidence is currently insufficient to determine the role of this variant in disease. Therefore, it has been classified as a Variant of Uncertain Significance.